The following is an entry in ClinVar:

ClinVar aggregate classification (germline): Conflicting classifications of pathogenicity. Review status: criteria provided, conflicting classifications (1 of 4 stars). 11 submissions from 11 submitters: Uncertain significance (1); Likely benign (7). 3 of the submissions do not count toward it. Last evaluated 2026-01-28.

Conditions:
Inborn genetic diseases. Identifiers: MedGen C0950123, MeSH D030342.
Glutaric aciduria, type 1. Also called: Glutaric acidemia type I; Glutaryl-CoA dehydrogenase deficiency; Glutaricacidemia Type 1; Glutaric Acidemia Type 1; GA I; Glutaricaciduria, type I. Identifiers: Orphanet 25, MedGen C0268595, MONDO:0009281, OMIM 231670.

Allele frequency attached by ClinVar (database versions not stated): 1000 Genomes Project 30x 0.00047; 1000 Genomes Project 0.00060; ExAC 0.00120; gnomAD exomes 0.00123 and 0.00185; gnomAD 0.00128 and 0.00133; TOPMed 0.00142; ESP Exome Variant Server 0.00208.
gnomAD v4.1: 2,885 of 1,614,016 alleles (0.18%); highest among the groups gnomAD compares: Non-Finnish European, 0.22%; 3 homozygotes.

Submissions (11):

Labcorp Genetics (formerly Invitae), Labcorp
Classification: Likely benign for Glutaric aciduria, type 1. Last evaluated: 2026-01-28. Review status: criteria provided, single submitter. Criteria: Invitae Variant Classification Sherloc (09022015). Collection method: clinical testing. Allele origin: germline.

CeGaT Center for Human Genetics Tuebingen
Classification: Likely benign. Last evaluated: 2025-11-01. Review status: criteria provided, single submitter. Criteria: CeGaT Center For Human Genetics Tuebingen Variant Classification Criteria Version 2. Collection method: clinical testing. Allele origin: germline. Affected: yes. Observed: 12 variant alleles.
Comment: GCDH: BP4, BP7

Blueprint Genetics
Classification: Likely benign. Last evaluated: 2024-11-25. Review status: criteria provided, single submitter. Criteria: ACMG Guidelines, 2015. Collection method: clinical testing. Allele origin: germline.

Ambry Genetics
Classification: Likely benign for Inborn genetic diseases. Last evaluated: 2022-03-25. Review status: criteria provided, single submitter. Criteria: Ambry Variant Classification Scheme 2023. Collection method: clinical testing. Allele origin: germline.

Genome-Nilou Lab
Classification: Likely benign for Glutaric aciduria, type 1. Last evaluated: 2021-05-18. Review status: criteria provided, single submitter. Criteria: ACMG Guidelines, 2015. Collection method: clinical testing. Allele origin: germline. Affected: no.

GeneDx
Classification: Likely benign. Last evaluated: 2020-10-21. Review status: criteria provided, single submitter. Criteria: GeneDx Variant Classification Process June 2021. Collection method: clinical testing. Allele origin: germline. Affected: yes.

Clinical Genetics DNA and cytogenetics Diagnostics Lab, Erasmus MC, Erasmus Medical Center
Classification: Likely benign for Glutaric aciduria, type 1. Last evaluated: 2017-06-28. Review status: criteria provided, single submitter. Criteria: ACGS Guidelines, 2013. Collection method: clinical testing. Allele origin: germline. Affected: yes. Study: VKGL Data-share Consensus.

Eurofins Ntd Llc (ga)
Classification: Uncertain significance. Last evaluated: 2017-02-21. Review status: criteria provided, single submitter. Criteria: EGL Classification Definitions 2015. Collection method: clinical testing. Allele origin: germline. Observed: 1 variant allele, 1 heterozygote.

Natera, Inc.
Classification: Likely benign for Glutaric acidemia type 1. Last evaluated: 2019-11-11. Review status: no assertion criteria provided. Collection method: clinical testing. Allele origin: germline. Not counted in ClinVar's aggregate classification.

Mayo Clinic Laboratories, Mayo Clinic
Classification: Likely benign. Last evaluated: 2016-02-29. Review status: no assertion criteria provided. Collection method: clinical testing. Allele origin: unknown. Not counted in ClinVar's aggregate classification.

Diagnostic Laboratory, Department of Genetics, University Medical Center Groningen
Classification: Likely benign for Glutaric aciduria, type 1. Review status: no assertion criteria provided. Collection method: clinical testing. Allele origin: germline. Affected: yes. Study: VKGL Data-share Consensus. Not counted in ClinVar's aggregate classification.

NM_000159.4(GCDH):c.1143C>T (p.Ile381=)

Gene: GCDH (glutaryl-CoA dehydrogenase; plus strand). Cytogenetic location: 19p13.13.
Variant type: single nucleotide variant.
Coding change: c.1143C>T on transcript NM_000159.4 (MANE Select); coding-DNA position 1143, C replaced by T.
Protein change: p.Ile381=; no amino-acid change (isoleucine 381 retained).
Molecular consequence: synonymous variant. On other transcripts: non-coding transcript variant (2).
Genome position (GRCh38, 1-based): chr19:12,897,763, C>T. VCF-style: chr19-12897763-C-T. GRCh37 (hg19) VCF-style: chr19-13008577-C-T.
Other names: c.1143C>T, p.Ile381= (NM_013976.5).
Identifiers: ClinVar variation 382438 (VCV000382438.62), dbSNP rs142553521, ClinGen allele CA9234618.